The following is an entry in ClinVar:

ClinVar aggregate classification (germline): Uncertain significance (1 of 4 stars; one submission).

Submission:

Labcorp Genetics (formerly Invitae), Labcorp
Classification: Uncertain significance. Last evaluated: 2025-04-17. Review status: criteria provided, single submitter. Criteria: Invitae Variant Classification Sherloc (09022015). Collection method: clinical testing. Allele origin: germline.
Comment: This sequence change replaces leucine, which is neutral and non-polar, with valine, which is neutral and non-polar, at codon 156 of the KLHL7 protein (p.Leu156Val). This variant is not present in population databases (gnomAD no frequency). This variant has not been reported in the literature in individuals affected with KLHL7-related conditions. An algorithm developed to predict the effect of missense changes on protein structure and function (PolyPhen-2) suggests that this variant is likely to be tolerated. In summary, the available evidence is currently insufficient to determine the role of this variant in disease. Therefore, it has been classified as a Variant of Uncertain Significance.

NM_001031710.3(KLHL7):c.466C>G (p.Leu156Val)

Gene: KLHL7 (kelch like family member 7; plus strand). Cytogenetic location: 7p15.3.
Variant type: single nucleotide variant.
Coding change: c.466C>G on transcript NM_001031710.3 (MANE Select); coding-DNA position 466, C replaced by G.
Protein change: p.Leu156Val; replaces leucine 156 with valine.
Molecular consequence: missense variant. On other transcripts: non-coding transcript variant (1).
Genome position (GRCh38, 1-based): chr7:23,140,792, C>G. VCF-style: chr7-23140792-C-G. GRCh37 (hg19) VCF-style: chr7-23180411-C-G.
Other names: c.322C>G, p.Leu108Val (NM_018846.5); short protein forms L108V, L156V.
Identifiers: ClinVar variation 4717779 (VCV004717779.1).